The following is an entry in ClinVar:

NM_004187.5(KDM5C):c.1277G>A (p.Trp426Ter)

Gene: KDM5C (lysine demethylase 5C; minus strand). Cytogenetic location: Xp11.22.
Variant type: single nucleotide variant.
Coding change: c.1277G>A on transcript NM_004187.5 (MANE Select); coding-DNA position 1277, G replaced by A.
Protein change: p.Trp426Ter; replaces tryptophan 426 with a stop codon.
Molecular consequence: nonsense. On other transcripts: non-coding transcript variant (3).
Genome position (GRCh38, 1-based): chrX:53,211,621, C>T on the plus strand (G>A on the coding strand, the complement: KDM5C is on the minus strand). VCF-style: chrX-53211621-C-T. GRCh37 (hg19) VCF-style: chrX-53240803-C-T.
Other names: c.1076G>A, p.Trp359Ter (NM_001146702.2); c.1274G>A, p.Trp425Ter (NM_001282622.3, NM_001353979.2, NM_001353982.2); c.1277G>A, p.Trp426Ter (NM_001353978.3, NM_001353981.2, NM_001353984.2); short protein forms W359*, W425*, W426*.
Identifiers: ClinVar variation 2630090 (VCV002630090.1), dbSNP rs2519515591, ClinGen allele CA413129981.

ClinVar aggregate classification (germline): Likely pathogenic (1 of 4 stars; one submission).

Conditions:
KDM5C-related disorder. Also called: KDM5C-related condition.

Submission:

PreventionGenetics, part of Exact Sciences
Classification: Likely pathogenic for KDM5C-related condition. Last evaluated: 2023-01-19. Review status: criteria provided, single submitter. Criteria: ACMG Guidelines, 2015. Collection method: clinical testing. Allele origin: germline.
Comment: The KDM5C c.1277G>A variant is predicted to result in premature protein termination (p.Trp426*). To our knowledge, this variant has not been reported in the literature or in a large population database, indicating this variant is rare. Nonsense variants in KDM5C are expected to be pathogenic, and therefore we interpret c.1277G>A (p.Trp426*) as likely pathogenic.